The following is an entry in ClinVar:

ClinVar aggregate classification (germline): Uncertain significance (1 of 4 stars; one submission).

Submission:

CeGaT Center for Human Genetics Tuebingen
Classification: Uncertain significance. Last evaluated: 2024-12-01. Review status: criteria provided, single submitter. Criteria: CeGaT Center For Human Genetics Tuebingen Variant Classification Criteria Version 2. Collection method: clinical testing. Allele origin: germline. Affected: yes. Observed: 1 variant allele.
Comment: TBX5: PM1, PM2, PP3

NM_181486.4(TBX5):c.415C>A (p.Pro139Thr)

Gene: TBX5 (T-box transcription factor 5; minus strand). Cytogenetic location: 12q24.21.
Variant type: single nucleotide variant.
Coding change: c.415C>A on transcript NM_181486.4 (MANE Select); coding-DNA position 415, C replaced by A.
Protein change: p.Pro139Thr; replaces proline 139 with threonine.
Molecular consequence: missense variant.
Genome position (GRCh38, 1-based): chr12:114,398,668, G>T on the plus strand (C>A on the coding strand, the complement: TBX5 is on the minus strand). VCF-style: chr12-114398668-G-T. GRCh37 (hg19) VCF-style: chr12-114836473-G-T.
Other names: c.415C>A, p.Pro139Thr (NM_000192.3); c.265C>A, p.Pro89Thr (NM_080717.4); short protein forms P139T, P89T.
Identifiers: ClinVar variation 3771722 (VCV003771722.13).